The following is an entry in ClinVar:

NM_144997.7(FLCN):c.1298C>T (p.Ser433Leu)

Gene: FLCN (folliculin; minus strand). Cytogenetic location: 17p11.2.
Variant type: single nucleotide variant.
Coding change: c.1298C>T on transcript NM_144997.7 (MANE Select); coding-DNA position 1298, C replaced by T.
Protein change: p.Ser433Leu; replaces serine 433 with leucine.
Molecular consequence: missense variant.
Genome position (GRCh38, 1-based): chr17:17,216,382, G>A on the plus strand (C>T on the coding strand, the complement: FLCN is on the minus strand). VCF-style: chr17-17216382-G-A. GRCh37 (hg19) VCF-style: chr17-17119696-G-A.
Other names: c.1298C>T (LRG_325t1); c.1352C>T, p.Ser451Leu (NM_001353229.2); c.1298C>T, p.Ser433Leu (NM_001353230.2, NM_001353231.2); short protein forms S433L, S451L.
Identifiers: ClinVar variation 409397 (VCV000409397.10), dbSNP rs1060502372, ClinGen allele CA16615110.
Genomic context (GRCh38, chr17:17,216,382, plus strand): 5'-CTGAGGCGTGGGGAACCTCAGCGCAGGGCATGGCCCCACAGCCCGCGGGGGCACGCACCT[G>A]AGGAGAGCACGTGGGGGGGGATCTGCACGTGCGGGCTGAGCCCCAGGAAGTTGCACCGAT-3'
Protein context (NP_659434.2, residues 423-443): HVQIPPHVLS[Ser433Leu]EFAVIVEVHA

ClinVar aggregate classification (germline): Uncertain significance. Review status: criteria provided, multiple submitters, no conflicts (2 of 4 stars). 2 submissions from 2 submitters: Uncertain significance (2). Last evaluated 2025-12-22.

Conditions:
Hereditary cancer-predisposing syndrome. Also called: Hereditary neoplastic syndrome; Neoplastic Syndromes, Hereditary; Tumor predisposition; Hereditary Cancer Syndrome. Identifiers: Orphanet 140162, MedGen C0027672, MeSH D009386, MONDO:0015356.
Birt-Hogg-Dube syndrome. Also called: Birt Hogg Dubé syndrome. Identifiers: Orphanet 122, MedGen C0346010, MONDO:0800444.

Allele frequency attached by ClinVar (database versions not stated): gnomAD exomes below 0.00001.
gnomAD v4.1: 3 of 1,613,494 alleles (0.00019%); highest among the groups gnomAD compares: Non-Finnish European, 0.00025%; no homozygotes.

Submissions (2):

Labcorp Genetics (formerly Invitae), Labcorp
Classification: Uncertain significance for Birt-Hogg-Dube syndrome. Last evaluated: 2025-12-22. Review status: criteria provided, single submitter. Criteria: Invitae Variant Classification Sherloc (09022015). Collection method: clinical testing. Allele origin: germline.
Comment: This sequence change replaces serine, which is neutral and polar, with leucine, which is neutral and non-polar, at codon 433 of the FLCN protein (p.Ser433Leu). This variant is not present in population databases (gnomAD no frequency). This variant has not been reported in the literature in individuals affected with FLCN-related conditions. ClinVar contains an entry for this variant (Variation ID: 409397). An algorithm developed to predict the effect of missense changes on protein structure and function (PolyPhen-2) suggests that this variant is likely to be disruptive. In summary, the available evidence is currently insufficient to determine the role of this variant in disease. Therefore, it has been classified as a Variant of Uncertain Significance.

Ambry Genetics
Classification: Uncertain significance for Hereditary cancer-predisposing syndrome. Last evaluated: 2024-04-09. Review status: criteria provided, single submitter. Criteria: Ambry Variant Classification Scheme 2023. Collection method: clinical testing. Allele origin: germline.
Comment: The p.S433L variant (also known as c.1298C>T), located in coding exon 8 of the FLCN gene, results from a C to T substitution at nucleotide position 1298. The serine at codon 433 is replaced by leucine, an amino acid with dissimilar properties. This amino acid position is highly conserved in available vertebrate species. In addition, this alteration is predicted to be deleterious by in silico analysis. Since supporting evidence is limited at this time, the clinical significance of this alteration remains unclear.